The following is an entry in ClinVar:

NM_006371.5(CRTAP):c.22del (p.Ala8fs)

Genes: CRTAP (cartilage associated protein; plus strand), LOC129936436 (ATAC-STARR-seq lymphoblastoid silent region 14183; plus strand). Cytogenetic location: 3p22.3.
Variant type: Deletion.
Coding change: c.22del on transcript NM_006371.5 (MANE Select); coding-DNA position 22, one base deleted (G; older notation c.22delG).
Protein change: p.Ala8fs; shifts the reading frame from alanine 8.
Molecular consequence: frameshift variant.
Genome position (GRCh38, 1-based): chr3:33,114,099, G deleted; the last of 6 consecutive G bases (chr3:33,114,094-33,114,099); deleting any one gives the same sequence. VCF-style (leftmost placement, unchanged base first): chr3-33114093-CG-C. GRCh37 (hg19) VCF-style: chr3-33155585-CG-C.
Other names: c.22del, p.Ala8fs (NM_001393363.1, NM_001393364.1, NM_001393365.1); short protein forms A8fs.
Identifiers: ClinVar variation 2161328 (VCV002161328.7), dbSNP rs137853936, ClinGen allele CA542612908.

ClinVar aggregate classification (germline): Pathogenic/Likely pathogenic. Review status: criteria provided, multiple submitters, no conflicts (2 of 4 stars). 3 submissions from 3 submitters: Pathogenic (1); Likely pathogenic (2). Last evaluated 2024-07-14.

Conditions:
CRTAP-related disorder. Also called: CRTAP-related condition.
Osteogenesis imperfecta type 7 (OI7). Also called: OI type 7; OI type VII; OSTEOGENESIS IMPERFECTA, TYPE IIB; Osteogenesis imperfecta type 2B; OI type 2B; Osteogenesis imperfecta, perinatal lethal autosomal recessive. Identifiers: MedGen C1853162, MONDO:0012536, OMIM 610682.

Submissions (3):

Blueprint Genetics
Classification: Likely pathogenic for CRTAP-related disorders. Last evaluated: 2024-07-14. Review status: criteria provided, single submitter. Criteria: ACMG Guidelines, 2015. Collection method: clinical testing. Allele origin: germline. Affected: yes. Observed: 2 variant alleles.

Fulgent Genetics
Classification: Likely pathogenic for Osteogenesis imperfecta type 7. Last evaluated: 2024-04-25. Review status: criteria provided, single submitter. Criteria: ACMG Guidelines, 2015. Collection method: clinical testing. Allele origin: germline.

Labcorp Genetics (formerly Invitae), Labcorp
Classification: Pathogenic for Osteogenesis imperfecta type 7. Last evaluated: 2023-10-06. Review status: criteria provided, single submitter. Criteria: Invitae Variant Classification Sherloc (09022015). Collection method: clinical testing. Allele origin: germline.
Comment: This sequence change creates a premature translational stop signal (p.Ala8Profs*5) in the CRTAP gene. It is expected to result in an absent or disrupted protein product. Loss-of-function variants in CRTAP are known to be pathogenic (PMID: 17055431, 19862557, 24715559). The frequency data for this variant in the population databases is considered unreliable, as metrics indicate poor data quality at this position in the gnomAD database. This premature translational stop signal has been observed in individual(s) with osteogenesis imperfecta (PMID: 35186396). ClinVar contains an entry for this variant (Variation ID: 2161328). For these reasons, this variant has been classified as Pathogenic.

Literature cited by the submitters: PubMed 17055431 (cited by Labcorp Genetics (formerly Invitae), Labcorp); PubMed 19862557 (cited by Labcorp Genetics (formerly Invitae), Labcorp); PubMed 24715559 (cited by Labcorp Genetics (formerly Invitae), Labcorp); PubMed 35186396 (cited by Labcorp Genetics (formerly Invitae), Labcorp).